The following is an entry in ClinVar:

ClinVar aggregate classification (germline): Uncertain significance. Review status: criteria provided, multiple submitters, no conflicts (2 of 4 stars). 2 submissions from 2 submitters: Uncertain significance (2). Last evaluated 2025-07-29.

Allele frequency attached by ClinVar (database versions not stated): ESP Exome Variant Server 0.00008; TOPMed 0.00002; gnomAD 0.00003; ExAC 0.00006.
gnomAD v4.1: 117 of 1,613,936 alleles (0.0072%); highest among the groups gnomAD compares: Non-Finnish European, 0.0093%; no homozygotes.

Submissions (2):

GeneDx
Classification: Uncertain significance. Last evaluated: 2025-07-29. Review status: criteria provided, single submitter. Criteria: GeneDx Variant Classification Process June 2021. Collection method: clinical testing. Allele origin: germline.
Comment: Nonsense variant predicted to result in protein truncation as the last 1345 amino acids are lost in a gene for which loss-of-function is not an established mechanism of disease; Has not been previously published as pathogenic or benign to our knowledge; This variant is associated with the following publications: (PMID: 33724365)

Labcorp Genetics (formerly Invitae), Labcorp
Classification: Uncertain significance. Last evaluated: 2024-11-04. Review status: criteria provided, single submitter. Criteria: Invitae Variant Classification Sherloc (09022015). Collection method: clinical testing. Allele origin: germline.
Comment: This sequence change creates a premature translational stop signal (p.Gly240*) in the SAMD9L gene. While this is not anticipated to result in nonsense mediated decay, it is expected to disrupt the last 1345 amino acid(s) of the SAMD9L protein. This variant is present in population databases (rs372981978, gnomAD 0.01%). This variant has not been reported in the literature in individuals affected with SAMD9L-related conditions. ClinVar contains an entry for this variant (Variation ID: 2080819). Experimental studies and prediction algorithms are not available or were not evaluated, and the functional significance of this variant is currently unknown. In summary, the available evidence is currently insufficient to determine the role of this variant in disease. Therefore, it has been classified as a Variant of Uncertain Significance.

NM_152703.5(SAMD9L):c.718G>T (p.Gly240Ter)

Gene: SAMD9L (sterile alpha motif domain containing 9 like; minus strand). Cytogenetic location: 7q21.2.
Variant type: single nucleotide variant.
Coding change: c.718G>T on transcript NM_152703.5 (MANE Select); coding-DNA position 718, G replaced by T.
Protein change: p.Gly240Ter; replaces glycine 240 with a stop codon.
Molecular consequence: nonsense.
Genome position (GRCh38, 1-based): chr7:93,135,254, C>A on the plus strand (G>T on the coding strand, the complement: SAMD9L is on the minus strand). VCF-style: chr7-93135254-C-A. GRCh37 (hg19) VCF-style: chr7-92764567-C-A.
Other names: c.718G>T (NM_152703.3); c.718G>T, p.Gly240Ter (NM_001303496.3, NM_001303497.3, NM_001303498.3 and 5 more transcripts); short protein forms G240*.
Identifiers: ClinVar variation 2080819 (VCV002080819.6), dbSNP rs372981978, ClinGen allele CA4343826.